The following is an entry in ClinVar:

ClinVar aggregate classification (germline): Uncertain significance (1 of 4 stars; one submission).

Conditions:
Lowe syndrome (OCRL). Also called: LOWE OCULOCEREBRORENAL SYNDROME; PHOSPHATIDYLINOSITOL 4,5-BISPHOSPHATE 5-PHOSPHATASE DEFICIENCY; Oculocerebrorenal Syndrome. Identifiers: Orphanet 534, MedGen C0028860, MONDO:0010645, OMIM 309000.

gnomAD v4.1: 19 of 1,211,728 alleles (0.0016%); highest among the groups gnomAD compares: Non-Finnish European, 0.0021%; no homozygotes.

Submission:

Labcorp Genetics (formerly Invitae), Labcorp
Classification: Uncertain significance for Lowe syndrome. Last evaluated: 2025-06-04. Review status: criteria provided, single submitter. Criteria: Invitae Variant Classification Sherloc (09022015). Collection method: clinical testing. Allele origin: germline.
Comment: This sequence change replaces leucine, which is neutral and non-polar, with phenylalanine, which is neutral and non-polar, at codon 863 of the OCRL protein (p.Leu863Phe). This variant is not present in population databases (gnomAD no frequency). This variant has not been reported in the literature in individuals affected with OCRL-related conditions. Invitae Evidence Modeling of protein sequence and biophysical properties (such as structural, functional, and spatial information, amino acid conservation, physicochemical variation, residue mobility, and thermodynamic stability) has been performed for this missense variant. However, the output from this modeling did not meet the statistical confidence thresholds required to predict the impact of this variant on OCRL protein function. In summary, the available evidence is currently insufficient to determine the role of this variant in disease. Therefore, it has been classified as a Variant of Uncertain Significance.

NM_000276.4(OCRL):c.2587C>T (p.Leu863Phe)

Gene: OCRL (OCRL inositol polyphosphate-5-phosphatase; plus strand). Cytogenetic location: Xq26.1.
Variant type: single nucleotide variant.
Coding change: c.2587C>T on transcript NM_000276.4 (MANE Select); coding-DNA position 2587, C replaced by T.
Protein change: p.Leu863Phe; replaces leucine 863 with phenylalanine.
Molecular consequence: missense variant.
Genome position (GRCh38, 1-based): chrX:129,590,151, C>T. VCF-style: chrX-129590151-C-T. GRCh37 (hg19) VCF-style: chrX-128724128-C-T.
Other names: c.2590C>T, p.Leu864Phe (NM_001318784.2); c.2563C>T, p.Leu855Phe (NM_001587.4); short protein forms L855F, L863F, L864F.
Identifiers: ClinVar variation 4810633 (VCV004810633.1).